The following is an entry in ClinVar:

GRCh37/hg19 11q14.1-23.3(chr11:85422071-118022671)x1

Genes: AASDHPPT (aminoadipate-semialdehyde dehydrogenase-phosphopantetheinyl transferase; plus strand), BIRC3 (baculoviral IAP repeat containing 3; plus strand), BKGD (beta-keto-L-gulonate decarboxylase; plus strand), CEP57 (centrosomal protein 57; plus strand), EED (embryonic ectoderm development; plus strand) and 179 more. Cytogenetic location: 11q14.1-23.3.
Variant type: copy number loss.
Change: copy number 1 (one copy instead of two) of chr11:85,422,071-118,022,671 (32.60 Mb, GRCh37 coordinates, 1-based), cytogenetic band 11q14.1-23.3.
Identifiers: ClinVar variation 1340004 (VCV001340004.2).

ClinVar aggregate classification (germline): Pathogenic (1 of 4 stars; one submission).

Submission:

Quest Diagnostics Nichols Institute San Juan Capistrano
Classification: Pathogenic. Last evaluated: 2026-06-05. Review status: criteria provided, single submitter. Criteria: ACMG/ClinGen CNV Guidelines, 2019. Collection method: clinical testing. Allele origin: unknown.
Comment: This copy number loss involves at least 150 protein-coding genes, including SDHD, ATM, and FZD4. Heterozygous deletions falling within or overlapping the current interval have been reported in individuals with variable phenotypes (Kirk 2020, Krgovic 2011, Nacinovich 2014, Williamson 2014, Yelavarthi 2015). Additionally, haploinsufficiency of FZD4 is associated with autosomal dominant exudative vitreoretinopathy 1, which is characterized by incomplete development of the retinal vasculature (CCID:007171) with incomplete penetrance and variable expressivity noted. Furthermore, haploinsufficiency of ATM has been associated with an increased susceptibility to certain cancer types including breast and prostate cancer (CCID:006708; OMIM 114480), and haploinsufficiency of SDHD is associated with pheochromocytoma/paraganglioma syndrome-1 (PPGL1; CCID:007816; OMIM 168000). Thus, based on gene content and current medical literature this copy number variant (CNV) is classified as pathogenic.

Literature cited by the submitters: PubMed 32316019; PubMed 21859473; PubMed 24742288; PubMed 24462371; PubMed 25735893.